The following is an entry in ClinVar:

NM_000540.3(RYR1):c.929C>T (p.Ala310Val)

Gene: RYR1 (ryanodine receptor 1; plus strand). Cytogenetic location: 19q13.2.
Variant type: single nucleotide variant.
Coding change: c.929C>T on transcript NM_000540.3 (MANE Select); coding-DNA position 929, C replaced by T.
Protein change: p.Ala310Val; replaces alanine 310 with valine.
Molecular consequence: missense variant.
Genome position (GRCh38, 1-based): chr19:38,448,483, C>T. VCF-style: chr19-38448483-C-T. GRCh37 (hg19) VCF-style: chr19-38939123-C-T.
Other names: c.929C>T, p.Ala310Val (NM_001042723.2); short protein forms A310V.
Identifiers: ClinVar variation 425174 (VCV000425174.54), dbSNP rs966781989, ClinGen allele CA16621731.

ClinVar aggregate classification (germline): Uncertain significance. Review status: criteria provided, multiple submitters, no conflicts (2 of 4 stars). 8 submissions from 8 submitters: Uncertain significance (8). Last evaluated 2025-04-15.

Conditions:
Malignant hyperthermia, susceptibility to, 1 (MHS1). Also called: Malignant hyperthermia suceptibility 1; RYR1-Related Malignant Hyperthermia Susceptibility; Anesthesia related hyperthermia; Malignant hyperpyrexia; Fulminating hyperpyrexia; Pharmacogenic myopathy. Identifiers: Orphanet 423, MedGen C2930980, MONDO:0007783, OMIM 145600.
King Denborough syndrome (KDS). Identifiers: MedGen C1840365, MONDO:0020485, OMIM 619542.
Central core myopathy (CMYO1A). Also called: CONGENITAL MYOPATHY 1A, AUTOSOMAL DOMINANT, WITH SUSCEPTIBILITY TO MALIGNANT HYPERTHERMIA; Central core disease; Myopathy, central fibrillar. Identifiers: Orphanet 597, MedGen C5830701, MONDO:0007294, OMIM 117000.
Congenital multicore myopathy with external ophthalmoplegia (CMYO1B). Also called: MULTIMINICORE DISEASE WITH EXTERNAL OPHTHALMOPLEGIA; Congenital myopathy 1B, autosomal recessive; Minicore myopathy; MULTICORE MYOPATHY; Minicore myopathy with external ophthalmoplegia. Identifiers: Orphanet 598, Orphanet 98905, MedGen C1850674, MONDO:0009712, OMIM 255320, HP:0003789.
Congenital myopathy with fiber type disproportion. Also called: Congenital fiber-type disproportion; Congenital fiber-type disproportion myopathy. Identifiers: Orphanet 2020, MedGen C0546264, MONDO:0009711. Inheritance: all.
RYR1-related disorder. Also called: RYR1-related disorders; RYR1-related condition. Identifiers: MedGen CN239331.

Allele frequency attached by ClinVar (database versions not stated): gnomAD 0.00001; gnomAD exomes 0.00001; TOPMed 0.00001.
gnomAD v4.1: 21 of 1,613,938 alleles (0.0013%); highest among the groups gnomAD compares: Middle Eastern, 0.016%; no homozygotes.

Submissions (8):

Revvity Omics, Revvity
Classification: Uncertain significance. Last evaluated: 2025-04-15. Review status: criteria provided, single submitter. Criteria: ACMG Guidelines, 2015. Collection method: clinical testing. Allele origin: germline.

Labcorp Genetics (formerly Invitae), Labcorp
Classification: Uncertain significance for RYR1-related disorder. Last evaluated: 2025-01-23. Review status: criteria provided, single submitter. Criteria: Invitae Variant Classification Sherloc (09022015). Collection method: clinical testing. Allele origin: germline.
Comment: This sequence change replaces alanine, which is neutral and non-polar, with valine, which is neutral and non-polar, at codon 310 of the RYR1 protein (p.Ala310Val). This variant is present in population databases (no rsID available, gnomAD 0.004%). This variant has not been reported in the literature in individuals affected with RYR1-related conditions. ClinVar contains an entry for this variant (Variation ID: 425174). Invitae Evidence Modeling of protein sequence and biophysical properties (such as structural, functional, and spatial information, amino acid conservation, physicochemical variation, residue mobility, and thermodynamic stability) indicates that this missense variant is not expected to disrupt RYR1 protein function with a negative predictive value of 95%. In summary, the available evidence is currently insufficient to determine the role of this variant in disease. Therefore, it has been classified as a Variant of Uncertain Significance.

All of Us Research Program, National Institutes of Health
Classification: Uncertain significance for Malignant hyperthermia, susceptibility to, 1. Last evaluated: 2024-05-14. Review status: criteria provided, single submitter. Criteria: ACMG Guidelines, 2015. Collection method: clinical testing. Allele origin: germline. Inheritance: Autosomal dominant inheritance. Observed: 9 variant alleles, 9 heterozygotes.
Comment: This missense variant replaces alanine with valine at codon 310 of the RYR1 protein. Computational prediction suggests that this variant may not impact protein structure and function (internally defined REVEL score threshold <= 0.5, PMID: 27666373). To our knowledge, functional studies have not been reported for this variant. This variant has not been reported in individuals affected with RYR1-related disorders in the literature. This variant has been identified in 5/282580 chromosomes in the general population by the Genome Aggregation Database (gnomAD). The available evidence is insufficient to determine the role of this variant in disease conclusively. Therefore, this variant is classified as a Variant of Uncertain Significance.

This study involves interpretation of variants in research participants for the purpose of population health screening. Participant phenotype was not available at the time of variant classification. Additional details can be found in publication PMID: 35346344, PMCID: PMC8962531

Color Diagnostics, LLC DBA Color Health
Classification: Uncertain significance for Malignant hyperthermia, susceptibility to, 1. Last evaluated: 2024-03-28. Review status: criteria provided, single submitter. Criteria: ACMG Guidelines, 2015. Collection method: clinical testing. Allele origin: germline.
Comment: This missense variant replaces alanine with valine at codon 310 of the RYR1 protein. Computational prediction suggests that this variant may not impact protein structure and function. To our knowledge, functional studies have not been reported for this variant. This variant has not been reported in individuals affected with RYR1-related disorders in the literature. This variant has been identified in 5/282580 chromosomes in the general population by the Genome Aggregation Database (gnomAD). The available evidence is insufficient to determine the role of this variant in disease conclusively. Therefore, this variant is classified as a Variant of Uncertain Significance.

Blueprint Genetics
Classification: Uncertain significance. Last evaluated: 2024-01-09. Review status: criteria provided, single submitter. Criteria: ACMG Guidelines, 2015. Collection method: clinical testing. Allele origin: germline.

Fulgent Genetics
Classification: Uncertain significance for Central core myopathy; Malignant hyperthermia, susceptibility to, 1; Congenital myopathy 4A, autosomal dominant; Congenital multicore myopathy with external ophthalmoplegia; King Denborough syndrome. Last evaluated: 2021-08-06. Review status: criteria provided, single submitter. Criteria: ACMG Guidelines, 2015. Collection method: clinical testing. Allele origin: unknown.

GeneDx
Classification: Uncertain significance. Last evaluated: 2017-10-18. Review status: criteria provided, single submitter. Criteria: GeneDx Variant Classification (06012015). Collection method: clinical testing. Allele origin: germline. Affected: yes.
Comment: The A310V variant in the RYR1 gene has not been reported previously as a pathogenic variant, nor as a benign variant, to our knowledge. The A310V variant is observed in 5/126,606 (0.0039%) alleles from individuals of non-Finnish European background in large population cohorts (Lek et al., 2016). The A310V variant is a conservative amino acid substitution, which is not likely to impact secondary protein structure as these residues share similar properties. This substitution occurs at a position that is conserved in mammals. In silico analysis is inconsistent in its predictions as to whether or not the variant is damaging to the protein structure/function. We interpret A310V as a variant of uncertain significance.

CeGaT Center for Human Genetics Tuebingen
Classification: Uncertain significance. Last evaluated: 2017-01-01. Review status: criteria provided, single submitter. Criteria: CeGaT Center For Human Genetics Tuebingen Variant Classification Criteria Version 2. Collection method: clinical testing. Allele origin: germline. Affected: yes. Observed: 1 variant allele.